The following is an entry in ClinVar:

ClinVar aggregate classification (germline): Uncertain significance (1 of 4 stars; one submission).

Submission:

Dasa
Classification: Uncertain significance. Last evaluated: 2025-12-31. Review status: criteria provided, single submitter. Criteria: DASA Assertion Criteria. Collection method: clinical testing. Allele origin: germline.
Comment: NM_007315.4(STAT1):c.1394C>G (p.Pro465Arg) is a missense variant that results in the substitution of proline with arginine. This variant is rare in population databases. Computational prediction algorithms are consistent with a deleterious effect. The currently available literature and clinical evidence are not sufficient to establish a definitive association between this variant and the reported condition. Therefore, this variant is classified as a variant of uncertain significance.

NM_007315.4(STAT1):c.1394C>G (p.Pro465Arg)

Gene: STAT1 (signal transducer and activator of transcription 1; minus strand). Cytogenetic location: 2q32.2.
Variant type: single nucleotide variant.
Coding change: c.1394C>G on transcript NM_007315.4 (MANE Select); coding-DNA position 1394, C replaced by G.
Protein change: p.Pro465Arg; replaces proline 465 with arginine.
Molecular consequence: missense variant.
Genome position (GRCh38, 1-based): chr2:190,983,694, G>C on the plus strand (C>G on the coding strand, the complement: STAT1 is on the minus strand). VCF-style: chr2-190983694-G-C. GRCh37 (hg19) VCF-style: chr2-191848420-G-C.
Other names: c.1334C>G, p.Pro445Arg (NM_001384880.1); c.1400C>G, p.Pro467Arg (NM_001384881.1, NM_001384884.1); c.1388C>G, p.Pro463Arg (NM_001384882.1); c.1295C>G, p.Pro432Arg (NM_001384883.1); c.1235C>G, p.Pro412Arg (NM_001384885.1); c.1394C>G, p.Pro465Arg (NM_001384886.1, NM_001384889.1, NM_001437284.1 and 1 more transcripts); c.1301C>G, p.Pro434Arg (NM_001384887.1); c.1364C>G, p.Pro455Arg (NM_001384888.1); and 2 more; short protein forms P412R, P432R, P434R, P435R, P445R, P455R, P463R, P465R.
Identifiers: ClinVar variation 4885258 (VCV004885258.2).